The following is an entry in ClinVar:

NM_001142800.2(EYS):c.1750G>A (p.Glu584Lys)

Gene: EYS (EGF-like photoreceptor maintenance factor; minus strand). Cytogenetic location: 6q12.
Variant type: single nucleotide variant.
Coding change: c.1750G>A on transcript NM_001142800.2 (MANE Select); coding-DNA position 1750, G replaced by A.
Protein change: p.Glu584Lys; replaces glutamic acid 584 with lysine.
Molecular consequence: missense variant.
Genome position (GRCh38, 1-based): chr6:65,334,996, C>T on the plus strand (G>A on the coding strand, the complement: EYS is on the minus strand). VCF-style: chr6-65334996-C-T. GRCh37 (hg19) VCF-style: chr6-66044889-C-T.
Other names: c.1750G>A, p.Glu584Lys (NM_001142801.2, NM_001292009.2, NM_198283.2); short protein forms E584K.
Identifiers: ClinVar variation 1036494 (VCV001036494.10), dbSNP rs527236072, ClinGen allele CA3877631.

ClinVar aggregate classification (germline): Uncertain significance. Review status: criteria provided, multiple submitters, no conflicts (2 of 4 stars). 3 submissions from 3 submitters: Uncertain significance (2). 1 of the submissions does not count toward it. Last evaluated 2025-04-16.

Conditions:
Retinitis pigmentosa 25 (RP25). Identifiers: Orphanet 791, MedGen C1864446, MONDO:0011272, OMIM 602772.

Allele frequency attached by ClinVar (database versions not stated): gnomAD exomes below 0.00001; ExAC 0.00001.
gnomAD v4.1: 3 of 1,609,544 alleles (0.00019%); highest among the groups gnomAD compares: Non-Finnish European, 0.00025%; no homozygotes.

Submissions (3):

Labcorp Genetics (formerly Invitae), Labcorp
Classification: Uncertain significance. Last evaluated: 2025-04-16. Review status: criteria provided, single submitter. Criteria: Invitae Variant Classification Sherloc (09022015). Collection method: clinical testing. Allele origin: germline.
Comment: This sequence change replaces glutamic acid, which is acidic and polar, with lysine, which is basic and polar, at codon 584 of the EYS protein (p.Glu584Lys). This variant is present in population databases (rs527236072, gnomAD 0.0009%). This variant has not been reported in the literature in individuals affected with EYS-related conditions. ClinVar contains an entry for this variant (Variation ID: 1036494). Invitae Evidence Modeling of protein sequence and biophysical properties (such as structural, functional, and spatial information, amino acid conservation, physicochemical variation, residue mobility, and thermodynamic stability) indicates that this missense variant is not expected to disrupt EYS protein function with a negative predictive value of 80%. In summary, the available evidence is currently insufficient to determine the role of this variant in disease. Therefore, it has been classified as a Variant of Uncertain Significance.

Blueprint Genetics
Classification: Uncertain significance. Last evaluated: 2021-12-27. Review status: criteria provided, single submitter. Criteria: ACMG Guidelines, 2015. Collection method: clinical testing. Allele origin: germline.

Natera, Inc.
Classification: Uncertain significance for Retinitis pigmentosa type 25. Last evaluated: 2020-10-16. Review status: no assertion criteria provided. Collection method: clinical testing. Allele origin: germline. Not counted in ClinVar's aggregate classification.